The following is an entry in ClinVar:

NM_000492.4(CFTR):c.1753G>T (p.Glu585Ter)

Gene: CFTR (CF transmembrane conductance regulator; plus strand). Cytogenetic location: 7q31.2.
Variant type: single nucleotide variant.
Coding change: c.1753G>T on transcript NM_000492.4 (MANE Select); coding-DNA position 1753, G replaced by T.
Protein change: p.Glu585Ter; replaces glutamic acid 585 with a stop codon.
Molecular consequence: nonsense.
Genome position (GRCh38, 1-based): chr7:117,590,426, G>T. VCF-style: chr7-117590426-G-T. GRCh37 (hg19) VCF-style: chr7-117230480-G-T.
Other names: short protein forms E585*.
Identifiers: ClinVar variation 53374 (VCV000053374.51), dbSNP rs397508296, ClinGen allele CA345306.
Genomic context (GRCh38, chr7:117,590,426, plus strand): 5'-GATGCTGATTTGTATTTATTAGACTCTCCTTTTGGATACCTAGATGTTTTAACAGAAAAA[G>T]AAATATTTGAAAGGTATGTTCTTTGAATACCTTACTTATAATGCTCATGCTAAAATAAAA-3'

ClinVar aggregate classification (germline): Pathogenic. Review status: reviewed by expert panel (3 of 4 stars). 21 submissions from 20 submitters: Pathogenic (1). 20 of the submissions do not count toward it. Last evaluated 2017-03-17.

Conditions:
Cystic fibrosis diagnostic test.
CFTR-related disorder (CFTR-RD). Also called: CFTR-related condition; CFTR-related disorders. Identifiers: MedGen C5924204, MONDO:7770004.
Congenital bilateral aplasia of vas deferens from CFTR mutation (CBAVD). Identifiers: Orphanet 48, MedGen C0403814, MONDO:0010178, OMIM 277180. Disease mechanism: loss of function.
Cystic fibrosis (CF). Also called: MUCOVISCIDOSIS. Identifiers: Orphanet 586, MedGen C0010674, MONDO:0009061, OMIM 219700. Disease mechanism: loss of function.
Hereditary pancreatitis (PCTT). Also called: Hereditary chronic pancreatitis; PRSS1-Related Hereditary Pancreatitis. Identifiers: Orphanet 676, MedGen C0238339, MONDO:0008185, OMIM 167800.
Bronchiectasis with or without elevated sweat chloride 1 (BESC1). Also called: Cystic Fibrosis-Like Syndrome. Identifiers: Orphanet 60033, MedGen C2749757, MONDO:0008887, OMIM 211400.

Allele frequency attached by ClinVar (database versions not stated): gnomAD 0.00001; TOPMed 0.00001; ExAC 0.00002.
gnomAD v4.1: 32 of 1,601,240 alleles (0.002%); highest among the groups gnomAD compares: South Asian, 0.0044%; no homozygotes.

Submissions 1 to 15 of 21:

CFTR2
Classification: Pathogenic for Cystic fibrosis. Last evaluated: 2017-03-17. Review status: reviewed by expert panel. Criteria: Sosnay PR et al. (Nat Genet 2013). Collection method: research. Allele origin: germline. Affected: yes. Study: CFTR2.

Institute of Immunology and Genetics Kaiserslautern
Classification: Pathogenic for Cystic fibrosis. Last evaluated: 2026-01-13. Review status: criteria provided, single submitter. Criteria: ACMG Guidelines, 2015. Collection method: clinical testing. Allele origin: germline. Not counted in ClinVar's aggregate classification.
Comment: ACMG Criteria: PVS1, PS4, PM2, PM3; Variant was found in heterozygous state.

Labcorp Genetics (formerly Invitae), Labcorp
Classification: Pathogenic for Cystic fibrosis. Last evaluated: 2026-01-12. Review status: criteria provided, single submitter. Criteria: Invitae Variant Classification Sherloc (09022015). Collection method: clinical testing. Allele origin: germline. Not counted in ClinVar's aggregate classification.
Comment: This sequence change creates a premature translational stop signal (p.Glu585*) in the CFTR gene. It is expected to result in an absent or disrupted protein product. Loss-of-function variants in CFTR are known to be pathogenic (PMID: 1695717, 7691345, 9725922). This variant is present in population databases (rs397508296, gnomAD 0.01%). This premature translational stop signal has been observed in individual(s) with cystic fibrosis or chronic pancreatitis (PMID: 1284538, 15480987, 23974870, 25492507, 25910067). ClinVar contains an entry for this variant (Variation ID: 53374). Algorithms developed to predict the effect of sequence changes on RNA splicing suggest that this variant may disrupt the consensus splice site. For these reasons, this variant has been classified as Pathogenic.

Natera, Inc.
Classification: Pathogenic for CFTR-related disorders. Last evaluated: 2025-11-04. Review status: criteria provided, single submitter. Criteria: Natera Variant Classification Schema (03/2026). Collection method: clinical testing. Allele origin: germline. Not counted in ClinVar's aggregate classification.
Comment: The c.1753G>T variant in CFTR is a nonsense variant predicted to introduce a stop codon at amino acid 585. This variant is expected to result in nonsense mediated decay, truncation, or a dysfunctional protein product. This variant is rare in the general population with a frequency below the threshold expected for the associated phenotype(s). This variant has been observed in one or more individuals affected with the associated recessive disease, as either homozygous or compound heterozygous with a second variant (PMID: 17627383, 18467194). Given the available evidence, this variant is classified as Pathogenic.

NHS Central & South Genomic Laboratory Hub
Classification: Pathogenic for Cystic fibrosis diagnostic test. Last evaluated: 2025-10-21. Review status: criteria provided, single submitter. Criteria: ACMG Guidelines, 2015. Collection method: clinical testing. Allele origin: germline. Affected: yes. Not counted in ClinVar's aggregate classification.

Mayo Clinic Laboratories, Mayo Clinic
Classification: Pathogenic. Last evaluated: 2025-01-14. Review status: criteria provided, single submitter. Criteria: ACMG Guidelines, 2015. Collection method: clinical testing. Allele origin: germline. Observed: 2 variant alleles. Not counted in ClinVar's aggregate classification.
Comment: PP5, PM2_supporting, PM3_very_strong, PVS1

PreventionGenetics, part of Exact Sciences
Classification: Pathogenic for CFTR-related condition. Last evaluated: 2024-12-11. Review status: criteria provided, single submitter. Criteria: ACMG Guidelines, 2015. Collection method: clinical testing. Allele origin: germline. Not counted in ClinVar's aggregate classification.
Comment: The CFTR c.1753G>T variant is predicted to result in premature protein termination (p.Glu585*). This variant has been reported to be causative for cystic fibrosis (Cremonesi et al. 1992. PubMed ID: 1284538; Sosnay et al. 2013, PubMed ID: 23974870). This variant is reported in 0.0098% of alleles in individuals of South Asian descent in gnomAD. Nonsense variants in CFTR are expected to be pathogenic. This variant is interpreted as pathogenic.

Blueprint Genetics
Classification: Pathogenic for CFTR-related disorders. Last evaluated: 2024-09-10. Review status: criteria provided, single submitter. Criteria: ACMG Guidelines, 2015. Collection method: clinical testing. Allele origin: germline. Affected: yes. Observed: 5 variant alleles. Not counted in ClinVar's aggregate classification.

ARUP Laboratories, Molecular Genetics and Genomics, ARUP Laboratories
Classification: Pathogenic for Cystic fibrosis. Last evaluated: 2024-07-09. Review status: criteria provided, single submitter. Criteria: ARUP Molecular Germline Variant Investigation Process 2024. Collection method: clinical testing. Allele origin: germline. Not counted in ClinVar's aggregate classification.
Comment: The CFTR c.1753G>T; p.Glu585Ter variant (rs397508296) is reported in multiple cystic fibrosis patients and is commonly associated with pancreatic insufficiency (CFTR2 database, Cremonesi 1992, Hirtz 2004, Ooi 2012, Sosnay 2013). This variant is also reported in ClinVar (Variation ID: 53374). It is only observed on five alleles in the Genome Aggregation Database (v2.1.1), indicating it is not a common polymorphism. This variant induces an early termination codon and is predicted to result in a truncated protein or mRNA subject to nonsense-mediated decay. Based on available information, this variant is considered to be pathogenic. References: CFTR2 database: Cremonesi L et al. Four new mutations of the CFTR gene (541delC, R347H, R352Q, E585X) detected by DGGE analysis in Italian CF patients, associated with different clinical phenotypes. Hum Mutat. 1992;1(4):314-9. PMID: 1284538. Hirtz S et al. CFTR Cl- channel function in native human colon correlates with the genotype and phenotype in cystic fibrosis. Gastroenterology. 2004 Oct;127(4):1085-95. PMID: 15480987. Ooi CY et al. Cystic fibrosis transmembrane conductance regulator (CFTR) gene mutations in pancreatitis. J Cyst Fibros. 2012 Sep;11(5):355-62. PMID: 22658665. Sosnay PR et al. Defining the disease liability of variants in the cystic fibrosis transmembrane conductance regulator gene. Nat Genet. 2013 Oct;45(10):1160-7. PMID: 23974870.

Fulgent Genetics
Classification: Pathogenic for Hereditary pancreatitis; Bronchiectasis with or without elevated sweat chloride 1; Cystic fibrosis; Congenital bilateral aplasia of vas deferens from CFTR mutation. Last evaluated: 2024-04-03. Review status: criteria provided, single submitter. Criteria: ACMG Guidelines, 2015. Collection method: clinical testing. Allele origin: germline. Not counted in ClinVar's aggregate classification.

Baylor Genetics
Classification: Pathogenic for Bronchiectasis with or without elevated sweat chloride 1. Last evaluated: 2023-09-11. Review status: criteria provided, single submitter. Criteria: ACMG Guidelines, 2015. Collection method: clinical testing. Allele origin: unknown. Not counted in ClinVar's aggregate classification.

Institute of Human Genetics, University of Leipzig Medical Center
Classification: Pathogenic for Cystic fibrosis. Last evaluated: 2023-03-02. Review status: criteria provided, single submitter. Criteria: ACMG Guidelines, 2015. Collection method: clinical testing. Allele origin: inherited. Affected: yes. Not counted in ClinVar's aggregate classification.
Comment: Criteria applied: PVS1, PM3_STR, PM2_SUP

Ambry Genetics
Classification: Pathogenic for Cystic fibrosis. Last evaluated: 2022-06-23. Review status: criteria provided, single submitter. Criteria: Ambry Variant Classification Scheme 2023. Collection method: clinical testing. Allele origin: germline. Not counted in ClinVar's aggregate classification.
Comment: The p.E585* pathogenic mutation (also known as c.1753G>T), located in coding exon 13 of the CFTR gene, results from a G to T substitution at nucleotide position 1753. This changes the amino acid from a glutamic acid to a stop codon within coding exon 13. In one study, this nonsense mutation was found in four unrelated cystic fibrosis patients (Cremonesi L et al. Hum. Mutat., 1992;1:314-9). This mutation is associated with elevated sweat chloride levels and pancreatic insufficiency (Sosnay PR et al. Nat. Genet., 2013 Oct;45:1160-7). In addition to the clinical data presented in the literature, this alteration is expected to result in loss of function by premature protein truncation or nonsense-mediated mRNA decay. As such, this alteration is interpreted as a disease-causing mutation.

Mendelics
Classification: Pathogenic for Cystic fibrosis. Last evaluated: 2018-11-05. Review status: criteria provided, single submitter. Criteria: Mendelics Assertion Criteria 2017. Collection method: clinical testing. Allele origin: unknown. Affected: yes. Not counted in ClinVar's aggregate classification.

CFTR-France
Classification: Pathogenic for cystic fibrosis. Last evaluated: 2018-01-29. Review status: criteria provided, single submitter. Criteria: Claustres M et al. (Hum Mutat 2017). Collection method: curation. Allele origin: germline. Affected: yes. Not counted in ClinVar's aggregate classification.